The following is an entry in ClinVar:

NM_004320.6(ATP2A1):c.2113G>A (p.Val705Ile)

Gene: ATP2A1 (ATPase sarcoplasmic/endoplasmic reticulum Ca2+ transporting 1; plus strand). Cytogenetic location: 16p11.2.
Variant type: single nucleotide variant.
Coding change: c.2113G>A on transcript NM_004320.6 (MANE Select); coding-DNA position 2113, G replaced by A.
Protein change: p.Val705Ile; replaces valine 705 with isoleucine.
Molecular consequence: missense variant.
Genome position (GRCh38, 1-based): chr16:28,901,875, G>A. VCF-style: chr16-28901875-G-A. GRCh37 (hg19) VCF-style: chr16-28913196-G-A.
Other names: c.2113G>A (NM_173201.4); c.1738G>A, p.Val580Ile (NM_001286075.2); c.2113G>A, p.Val705Ile (NM_173201.5); short protein forms V580I, V705I.
Identifiers: ClinVar variation 2161583 (VCV002161583.7), dbSNP rs759217913, ClinGen allele CA7987187.

ClinVar aggregate classification (germline): Uncertain significance. Review status: criteria provided, multiple submitters, no conflicts (2 of 4 stars). 2 submissions from 2 submitters: Uncertain significance (2). Last evaluated 2022-05-29.

Conditions:
Brody myopathy. Also called: BRODY DISEASE. Identifiers: Orphanet 53347, MedGen C1832918, MONDO:0010977, OMIM 601003.

Allele frequency attached by ClinVar (database versions not stated): ExAC 0.00001; gnomAD 0.00001; gnomAD exomes 0.00001; TOPMed 0.00002.
gnomAD v4.1: 18 of 1,613,814 alleles (0.0011%); highest among the groups gnomAD compares: South Asian, 0.0022%; no homozygotes.

Submissions (2):

Labcorp Genetics (formerly Invitae), Labcorp
Classification: Uncertain significance for Brody myopathy. Last evaluated: 2022-05-29. Review status: criteria provided, single submitter. Criteria: Invitae Variant Classification Sherloc (09022015). Collection method: clinical testing. Allele origin: germline.
Comment: In summary, the available evidence is currently insufficient to determine the role of this variant in disease. Therefore, it has been classified as a Variant of Uncertain Significance. This sequence change replaces valine, which is neutral and non-polar, with isoleucine, which is neutral and non-polar, at codon 705 of the ATP2A1 protein (p.Val705Ile). This variant is present in population databases (rs759217913, gnomAD 0.006%). This variant has not been reported in the literature in individuals affected with ATP2A1-related conditions. Algorithms developed to predict the effect of missense changes on protein structure and function are either unavailable or do not agree on the potential impact of this missense change (SIFT: "Deleterious"; PolyPhen-2: "Benign"; Align-GVGD: "Class C0").

Revvity Omics, Revvity
Classification: Uncertain significance for Brody myopathy. Last evaluated: 2022-05-02. Review status: criteria provided, single submitter. Criteria: ACMG Guidelines, 2015. Collection method: clinical testing. Allele origin: germline.